The following is an entry in ClinVar:

NM_002430.3(MN1):c.931G>C (p.Gly311Arg)

Gene: MN1 (MN1 proto-oncogene, transcriptional regulator; minus strand). Cytogenetic location: 22q12.1.
Variant type: single nucleotide variant.
Coding change: c.931G>C on transcript NM_002430.3 (MANE Select); coding-DNA position 931, G replaced by C.
Protein change: p.Gly311Arg; replaces glycine 311 with arginine.
Molecular consequence: missense variant.
Genome position (GRCh38, 1-based): chr22:27,799,613, C>G on the plus strand (G>C on the coding strand, the complement: MN1 is on the minus strand). VCF-style: chr22-27799613-C-G. GRCh37 (hg19) VCF-style: chr22-28195601-C-G.
Other names: short protein forms G311R.
Identifiers: ClinVar variation 4883770 (VCV004883770.2).

ClinVar aggregate classification (germline): Uncertain significance (1 of 4 stars; one submission).

Submission:

Dasa
Classification: Uncertain significance. Last evaluated: 2025-08-29. Review status: criteria provided, single submitter. Criteria: DASA Assertion Criteria. Collection method: clinical testing. Allele origin: germline.
Comment: NM_002430.3(MN1):c.931G>C (p.Gly311Arg) is a missense variant that results in the substitution of glycine with arginine. This variant is absent from population databases. The currently available literature and clinical evidence are not sufficient to establish a definitive association between this variant and the reported condition. Therefore, this variant is classified as a variant of uncertain significance.